The following is an entry in ClinVar:

NM_004341.5(CAD):c.3272A>G (p.Tyr1091Cys)

Gene: CAD (carbamoyl-phosphate synthetase 2, aspartate transcarbamylase, and dihydroorotase; plus strand). Cytogenetic location: 2p23.3.
Variant type: single nucleotide variant.
Coding change: c.3272A>G on transcript NM_004341.5 (MANE Select); coding-DNA position 3272, A replaced by G.
Protein change: p.Tyr1091Cys; replaces tyrosine 1091 with cysteine.
Molecular consequence: missense variant.
Genome position (GRCh38, 1-based): chr2:27,233,681, A>G. VCF-style: chr2-27233681-A-G. GRCh37 (hg19) VCF-style: chr2-27456549-A-G.
Other names: c.3083A>G, p.Tyr1028Cys (NM_001306079.2); short protein forms Y1028C, Y1091C.
Identifiers: ClinVar variation 1927756 (VCV001927756.6), dbSNP rs2465331141, ClinGen allele CA346215178.

ClinVar aggregate classification (germline): Uncertain significance. Review status: criteria provided, multiple submitters, no conflicts (2 of 4 stars). 2 submissions from 2 submitters: Uncertain significance (2). Last evaluated 2024-11-18.

Submissions (2):

Blueprint Genetics
Classification: Uncertain significance. Last evaluated: 2024-11-18. Review status: criteria provided, single submitter. Criteria: ACMG Guidelines, 2015. Collection method: clinical testing. Allele origin: germline.

Labcorp Genetics (formerly Invitae), Labcorp
Classification: Uncertain significance. Last evaluated: 2022-05-10. Review status: criteria provided, single submitter. Criteria: Invitae Variant Classification Sherloc (09022015). Collection method: clinical testing. Allele origin: germline.
Comment: In summary, the available evidence is currently insufficient to determine the role of this variant in disease. Therefore, it has been classified as a Variant of Uncertain Significance. Algorithms developed to predict the effect of missense changes on protein structure and function (SIFT, PolyPhen-2, Align-GVGD) all suggest that this variant is likely to be disruptive. This variant has not been reported in the literature in individuals affected with CAD-related conditions. This variant is not present in population databases (gnomAD no frequency). This sequence change replaces tyrosine, which is neutral and polar, with cysteine, which is neutral and slightly polar, at codon 1091 of the CAD protein (p.Tyr1091Cys).